The following is an entry in ClinVar:

NM_000222.3(KIT):c.108_109insT (p.Pro37fs)

Gene: KIT (KIT proto-oncogene, receptor tyrosine kinase; plus strand). Cytogenetic location: 4q12.
Variant type: Insertion.
Coding change: c.108_109insT on transcript NM_000222.3 (MANE Select); coding-DNA positions 108 to 109, T inserted.
Protein change: p.Pro37fs; shifts the reading frame from proline 37.
Molecular consequence: frameshift variant.
Genome position: GRCh38 VCF-style: chr4-54695552-A-AT. GRCh37 (hg19) VCF-style: chr4-55561718-A-AT.
Other names: c.108_109insT, p.Pro37fs (NM_001093772.2, NM_001385284.1, NM_001385285.1 and 4 more transcripts); short protein forms P37fs.
Identifiers: ClinVar variation 458850 (VCV000458850.7), dbSNP rs1553887262, ClinGen allele CA658655845.

ClinVar aggregate classification (germline): Pathogenic (1 of 4 stars; one submission).

Conditions:
Gastrointestinal stromal tumor. Also called: Gastrointestinal stroma tumor; Gastrointestinal stromal tumor, somatic. Identifiers: Orphanet 44890, MedGen C0238198, MeSH D046152, MONDO:0011719, OMIM 606764, HP:0100723.

Submission:

Labcorp Genetics (formerly Invitae), Labcorp
Classification: Pathogenic for Gastrointestinal stromal tumor. Last evaluated: 2017-03-01. Review status: criteria provided, single submitter. Criteria: Invitae Variant Classification Sherloc (09022015). Collection method: clinical testing. Allele origin: germline.
Comment: For these reasons, this variant has been classified as Pathogenic. While this particular variant has not been reported in the literature, loss-of-function variants in KIT are known to be pathogenic (PMID: 15194144). This sequence change inserts 1 nucleotide in exon 2 of the KIT mRNA (c.108_109insT), causing a frameshift at codon 37. This creates a premature translational stop signal (p.Pro37Serfs*19) and is expected to result in an absent or disrupted protein product.

Literature cited by the submitters: PubMed 15194144.